The following is an entry in ClinVar:

NM_001330700.2(TOP2B):c.787del (p.Arg263fs)

Gene: TOP2B (DNA topoisomerase II beta; minus strand). Cytogenetic location: 3p24.2.
Variant type: Deletion.
Coding change: c.787del on transcript NM_001330700.2 (MANE Select); coding-DNA position 787, one base deleted (A; older notation c.787delA).
Protein change: p.Arg263fs; shifts the reading frame from arginine 263.
Molecular consequence: frameshift variant.
Genome position (GRCh38, 1-based): chr3:25,636,001, T deleted on the plus strand (A on the coding strand, the reverse complement: TOP2B is on the minus strand); the first of 2 consecutive T bases (chr3:25,636,001-25,636,002); deleting either gives the same sequence. VCF-style (leftmost placement, unchanged base first): chr3-25636000-CT-C. GRCh37 (hg19) VCF-style: chr3-25677491-CT-C.
Other names: c.772del, p.Arg258fs (NM_001068.3); short protein forms R258fs, R263fs.
Identifiers: ClinVar variation 4535065 (VCV004535065.6).
Genomic context (GRCh38, chr3:25,636,000, plus strand): 5'-AATTTCTTTCCATTAAACATGACCTTGACCCCTCTACACGAACCAGCCAAATCATATGCC[CT>C]TCTAGTCATGAGGGCCACAATATCCTTGTCAAGTTTTTCCATCTTAAATTTGGACAGATC-3'

ClinVar aggregate classification (germline): Uncertain significance (1 of 4 stars; one submission).

Submission:

CeGaT Center for Human Genetics Tuebingen
Classification: Uncertain significance. Last evaluated: 2025-10-01. Review status: criteria provided, single submitter. Criteria: CeGaT Center For Human Genetics Tuebingen Variant Classification Criteria Version 2. Collection method: clinical testing. Allele origin: germline. Affected: yes. Observed: 1 variant allele.
Comment: TOP2B: PM2, PVS1:Moderate